The following is an entry in ClinVar:

ClinVar aggregate classification (germline): Likely pathogenic (1 of 4 stars; one submission).

Conditions:
Meckel syndrome, type 11 (MKS11). Identifiers: Orphanet 564, MedGen C3809352, MONDO:0014164, OMIM 615397.
Joubert syndrome 20 (JBTS20). Identifiers: Orphanet 475, MedGen C3554235, MONDO:0013994, OMIM 614970.

gnomAD v4.1: 14 of 1,548,070 alleles (0.0009%); highest among the groups gnomAD compares: African/African-American, 0.0015%; no homozygotes.

Submission:

Labcorp Genetics (formerly Invitae), Labcorp
Classification: Likely pathogenic for Joubert syndrome 20; Meckel syndrome, type 11. Last evaluated: 2024-08-14. Review status: criteria provided, single submitter. Criteria: Invitae Variant Classification Sherloc (09022015). Collection method: clinical testing. Allele origin: germline.
Comment: This sequence change affects an acceptor splice site in intron 2 of the TMEM231 gene. It is expected to disrupt RNA splicing. Variants that disrupt the donor or acceptor splice site typically lead to a loss of protein function (PMID: 16199547), and loss-of-function variants in TMEM231 are known to be pathogenic (PMID: 23012439, 23349226). This variant is present in population databases (no rsID available, gnomAD 0.002%). Disruption of this splice site has been observed in individual(s) with Meckel-Gruber syndrome (PMID: 25869670). Algorithms developed to predict the effect of sequence changes on RNA splicing suggest that this variant may disrupt the consensus splice site. In summary, the currently available evidence indicates that the variant is pathogenic, but additional data are needed to prove that conclusively. Therefore, this variant has been classified as Likely Pathogenic.

Literature cited by the submitters: PubMed 16199547; PubMed 23012439; PubMed 23349226; PubMed 25869670.

NM_001077418.3(TMEM231):c.439-1G>C

Gene: TMEM231 (transmembrane protein 231; minus strand). Cytogenetic location: 16q23.1.
Variant type: single nucleotide variant.
Coding change: c.439-1G>C on transcript NM_001077418.3 (MANE Select); the canonical splice acceptor site of the intron before coding-DNA position 439, G replaced by C.
Molecular consequence: splice acceptor variant.
Genome position (GRCh38, 1-based): chr16:75,545,496, C>G on the plus strand (G>C on the coding strand, the complement: TMEM231 is on the minus strand). VCF-style: chr16-75545496-C-G. GRCh37 (hg19) VCF-style: chr16-75579394-C-G.
Other names: c.598-1G>C (NM_001077416.2).
Identifiers: ClinVar variation 3759372 (VCV003759372.2).